The following is an entry in ClinVar:

NM_000169.3(GLA):c.612G>C (p.Trp204Cys)

Genes: GLA (galactosidase alpha; minus strand), RPL36A-HNRNPH2 (RPL36A-HNRNPH2 readthrough; plus strand). Cytogenetic location: Xq22.1.
Variant type: single nucleotide variant.
Coding change: c.612G>C on transcript NM_000169.3 (MANE Select); coding-DNA position 612, G replaced by C.
Protein change: p.Trp204Cys; replaces tryptophan 204 with cysteine.
Molecular consequence: missense variant. On other transcripts: non-coding transcript variant (2), intron variant (2).
Genome position (GRCh38, 1-based): chrX:101,400,693, C>G on the plus strand (G>C on the coding strand, the complement: GLA is on the minus strand). VCF-style: chrX-101400693-C-G. GRCh37 (hg19) VCF-style: chrX-100655681-C-G.
Other names: c.735G>C, p.Trp245Cys (NM_001406747.1); c.612G>C, p.Trp204Cys (NM_001406748.1); c.300+5236C>G (NM_001199973.2); c.177+8871C>G (NM_001199974.2); short protein forms W204C, W245C.
Identifiers: ClinVar variation 4087430 (VCV004087430.2).

ClinVar aggregate classification (germline): Pathogenic (1 of 4 stars; one submission).

Conditions:
Fabry disease. Also called: ALPHA-GALACTOSIDASE A DEFICIENCY; ANDERSON-FABRY DISEASE; CERAMIDE TRIHEXOSIDASE DEFICIENCY; GLA DEFICIENCY; HEREDITARY DYSTOPIC LIPIDOSIS; Angiokeratoma corporis diffusum. Identifiers: Orphanet 324, MedGen C0002986, MONDO:0010526, OMIM 301500, HP:0001071. Disease mechanism: Fabry disease is due to inactivating mutations in the X-linked GLA gene resulting in deficiency of the enzyme Alpha Galactosidase-A., loss of function.

Submission:

Genomenon, Inc
Classification: Pathogenic for Fabry disease. Last evaluated: 2026-09-08. Review status: criteria provided, single submitter. Criteria: Genomenon Sequence Variant Interpretation Standards - Updated. Collection method: curation. Allele origin: germline. Affected: yes.
Comment: GLA p.Trp204Cys (c.612G>C) is a missense variant that changes the amino acid at codon 204 from Tryptophan to Cysteine. This variant has been observed in at least one proband with clinical features consistent with Fabry disease (PMID:30677769). At least one functional study has demonstrated a substantial alteration in protein function relative to the wild-type (PMID:23935525). This variant is located in a mutational hotspot and/or important functional domain. It is absent or not present at a significant frequency in gnomAD. In silico models predict that this variant is possibly or probably damaging. In conclusion, we classify GLA p.Trp204Cys (c.612G>C) as a pathogenic variant.

Literature cited by the submitters: PubMed 30677769; PubMed 23935525.